The following is an entry in ClinVar:

ClinVar aggregate classification (germline): Conflicting classifications of pathogenicity. Review status: criteria provided, conflicting classifications (1 of 4 stars). 2 submissions from 2 submitters: Likely pathogenic (1); Uncertain significance (1). Last evaluated 2024-10-28.

Conditions:
Combined deficiency of sialidase AND beta galactosidase (GSL). Also called: NEURAMINIDASE DEFICIENCY WITH BETA-GALACTOSIDASE DEFICIENCY; NEURAMINIDASE/BETA-GALACTOSIDASE EXPRESSION; PPCA DEFICIENCY; PROTECTIVE PROTEIN/CATHEPSIN A DEFICIENCY; Galactosialidosis; CATHEPSIN A DEFICIENCY. Identifiers: Orphanet 351, MedGen C0268233, MONDO:0009737, OMIM 256540.

Allele frequency attached by ClinVar (database versions not stated): TOPMed below 0.00001; gnomAD 0.00001; gnomAD exomes 0.00001; ExAC 0.00003.
gnomAD v4.1: 9 of 1,613,966 alleles (0.00056%); highest among the groups gnomAD compares: African/African-American, 0.0013%; no homozygotes.

Submissions (2):

Labcorp Genetics (formerly Invitae), Labcorp
Classification: Likely pathogenic for Combined deficiency of sialidase AND beta galactosidase. Last evaluated: 2024-10-28. Review status: criteria provided, single submitter. Criteria: Invitae Variant Classification Sherloc (09022015). Collection method: clinical testing. Allele origin: germline.
Comment: This sequence change replaces arginine, which is basic and polar, with cysteine, which is neutral and slightly polar, at codon 441 of the CTSA protein (p.Arg441Cys). This variant is present in population databases (rs750797985, gnomAD 0.008%). This missense change has been observed in individual(s) with clinical features of galactosialidosis (PMID: 25075748, 29333829). ClinVar contains an entry for this variant (Variation ID: 2138349). Invitae Evidence Modeling of protein sequence and biophysical properties (such as structural, functional, and spatial information, amino acid conservation, physicochemical variation, residue mobility, and thermodynamic stability) indicates that this missense variant is expected to disrupt CTSA protein function with a positive predictive value of 80%. In summary, the currently available evidence indicates that the variant is pathogenic, but additional data are needed to prove that conclusively. Therefore, this variant has been classified as Likely Pathogenic.

CeGaT Center for Human Genetics Tuebingen
Classification: Uncertain significance. Last evaluated: 2023-11-01. Review status: criteria provided, single submitter. Criteria: CeGaT Center For Human Genetics Tuebingen Variant Classification Criteria Version 2. Collection method: clinical testing. Allele origin: germline. Affected: yes. Observed: 1 variant allele.
Comment: CTSA: PM2:Supporting, PP3

Literature cited by the submitters: PubMed 25075748 (cited by Labcorp Genetics (formerly Invitae), Labcorp); PubMed 29333829 (cited by Labcorp Genetics (formerly Invitae), Labcorp).

NM_000308.4(CTSA):c.1267C>T (p.Arg423Cys)

Gene: CTSA (cathepsin A; plus strand). Cytogenetic location: 20q13.12.
Variant type: single nucleotide variant.
Coding change: c.1267C>T on transcript NM_000308.4 (MANE Select); coding-DNA position 1267, C replaced by T.
Protein change: p.Arg423Cys; replaces arginine 423 with cysteine.
Molecular consequence: missense variant. On other transcripts: non-coding transcript variant (1).
Genome position (GRCh38, 1-based): chr20:45,898,017, C>T. VCF-style: chr20-45898017-C-T. GRCh37 (hg19) VCF-style: chr20-44526656-C-T.
Other names: c.1267C>T, p.Arg423Cys (NM_001127695.3); c.1216C>T, p.Arg406Cys (NM_001167594.3); short protein forms R423C, R406C.
Identifiers: ClinVar variation 2138349 (VCV002138349.27), dbSNP rs750797985, ClinGen allele CA9883358.